The following is an entry in ClinVar:

NM_000352.6(ABCC8):c.3117C>A (p.Ser1039Arg)

Gene: ABCC8 (ATP binding cassette subfamily C member 8; minus strand). Cytogenetic location: 11p15.1.
Variant type: single nucleotide variant.
Coding change: c.3117C>A on transcript NM_000352.6 (MANE Select); coding-DNA position 3117, C replaced by A.
Protein change: p.Ser1039Arg; replaces serine 1039 with arginine.
Molecular consequence: missense variant. On other transcripts: non-coding transcript variant (1).
Genome position (GRCh38, 1-based): chr11:17,406,933, G>T on the plus strand (C>A on the coding strand, the complement: ABCC8 is on the minus strand). VCF-style: chr11-17406933-G-T. GRCh37 (hg19) VCF-style: chr11-17428480-G-T.
Other names: c.3117C>A (NM_000352.3); c.3120C>A, p.Ser1040Arg (NM_001287174.3); c.3183C>A, p.Ser1061Arg (NM_001351295.2); c.3117C>A, p.Ser1039Arg (NM_001351296.2); c.3114C>A, p.Ser1038Arg (NM_001351297.2); short protein forms S1038R, S1039R, S1040R, S1061R.
Identifiers: ClinVar variation 2636684 (VCV002636684.3), dbSNP rs199723884, ClinGen allele CA379803250.

ClinVar aggregate classification (germline): Uncertain significance. Review status: criteria provided, multiple submitters, no conflicts (2 of 4 stars). 3 submissions from 3 submitters: Uncertain significance (3). Last evaluated 2024-05-09.

Conditions:
ABCC8-related disorder.
Leucine-induced hypoglycemia (LIH). Also called: LEUCINE-SENSITIVE HYPOGLYCEMIA OF INFANCY. Identifiers: MedGen C0271714, MONDO:0009415, OMIM 240800.
Diabetes mellitus, permanent neonatal 3. Also called: ABCC8-Related Permanent Neonatal Diabetes Mellitus. Identifiers: MedGen C5394303, MONDO:0030088, OMIM 618857.
Diabetes mellitus, transient neonatal, 2 (TNDM2). Identifiers: Orphanet 99886, MedGen C1835887, MONDO:0012480, OMIM 610374. Disease mechanism: loss of function.
Type 2 diabetes mellitus. Also called: Type II diabetes mellitus. Identifiers: MedGen C0011860, MeSH D003924, MONDO:0005148, OMIM 125853, HP:0005978.
Hyperinsulinemic hypoglycemia, familial, 1 (HHF1). Also called: Persistent hyperinsulinemic hypoglycemia of infancy; HYPERINSULINISM, FAMILIAL, WITH PANCREATIC NESIDIOBLASTOSIS; HYPOGLYCEMIA, HYPERINSULINEMIC, OF INFANCY; NESIDIOBLASTOSIS OF PANCREAS; Persistent Hyperinsulinemia Hypoglycemia of Infancy. Identifiers: Orphanet 276575, Orphanet 276598, MedGen C2931832, MONDO:0009734, OMIM 256450.

gnomAD v4.1: 1 of 1,614,090 alleles (0.000062%); highest among the groups gnomAD compares: Admixed American, 0.0017%; no homozygotes.

Submissions (3):

GeneDx
Classification: Uncertain significance. Last evaluated: 2024-05-09. Review status: criteria provided, single submitter. Criteria: GeneDx Variant Classification Process June 2021. Collection method: clinical testing. Allele origin: germline. Affected: yes.
Comment: Not observed at significant frequency in large population cohorts (gnomAD); In silico analysis indicates that this missense variant does not alter protein structure/function; Has not been previously published as pathogenic or benign to our knowledge

Fulgent Genetics
Classification: Uncertain significance for Type 2 diabetes mellitus; Leucine-induced hypoglycemia; Hyperinsulinemic hypoglycemia, familial, 1; Diabetes mellitus, transient neonatal, 2; Diabetes mellitus, permanent neonatal 3. Last evaluated: 2024-01-09. Review status: criteria provided, single submitter. Criteria: ACMG Guidelines, 2015. Collection method: clinical testing. Allele origin: germline.

PreventionGenetics, part of Exact Sciences
Classification: Uncertain significance for ABCC8-related condition. Last evaluated: 2023-04-06. Review status: criteria provided, single submitter. Criteria: ACMG Guidelines, 2015. Collection method: clinical testing. Allele origin: germline.
Comment: The ABCC8 c.3117C>A variant is predicted to result in the amino acid substitution p.Ser1039Arg. To our knowledge, this variant has not been reported in the literature or in a large population database, indicating this variant is rare. At this time, the clinical significance of this variant is uncertain due to the absence of conclusive functional and genetic evidence.